The following is an entry in ClinVar:

ClinVar aggregate classification (germline): Likely benign (1 of 4 stars; one submission).

Conditions:
Familial cancer of breast. Also called: BREAST CANCER, FAMILIAL; Hereditary breast cancer; hereditary breast carcinoma. Identifiers: Orphanet 227535, MedGen C0346153, MONDO:0016419, OMIM 114480. Disease mechanism: loss of function.

Submission:

Myriad Genetics, Inc.
Classification: Likely benign for Familial cancer of breast. Last evaluated: 2024-05-02. Review status: criteria provided, single submitter. Criteria: Myriad Autosomal Dominant, Autosomal Recessive and X-Linked Classification Criteria (2023). Collection method: clinical testing. Allele origin: unknown.
Comment: This variant is considered likely benign. This variant is intronic and is not expected to impact mRNA splicing.

NM_000051.4(ATM):c.1899-17A>T

Gene: ATM (ATM serine/threonine kinase; plus strand). Cytogenetic location: 11q22.3.
Variant type: single nucleotide variant.
Coding change: c.1899-17A>T on transcript NM_000051.4 (MANE Select); 17 bases into the intron before coding-DNA position 1899, A replaced by T.
Molecular consequence: intron variant.
Genome position (GRCh38, 1-based): chr11:108,253,797, A>T. VCF-style: chr11-108253797-A-T. GRCh37 (hg19) VCF-style: chr11-108124524-A-T.
Other names: c.1899-17A>T (NM_001351834.2).
Identifiers: ClinVar variation 3254050 (VCV003254050.1), dbSNP rs2135365023.